The following is an entry in ClinVar:

NM_001142800.2(EYS):c.8738C>G (p.Ser2913Cys)

Genes: EYS (EGF-like photoreceptor maintenance factor; minus strand), PHF3 (PHD finger protein 3; plus strand). Cytogenetic location: 6q12.
Variant type: single nucleotide variant.
Coding change: c.8738C>G on transcript NM_001142800.2 (MANE Select); coding-DNA position 8738, C replaced by G.
Protein change: p.Ser2913Cys; replaces serine 2913 with cysteine.
Molecular consequence: missense variant. On other transcripts: 3 prime UTR variant (5).
Genome position (GRCh38, 1-based): chr6:63,721,293, G>C on the plus strand (C>G on the coding strand, the complement: EYS is on the minus strand). VCF-style: chr6-63721293-G-C. GRCh37 (hg19) VCF-style: chr6-64431189-G-C.
Other names: c.8801C>G, p.Ser2934Cys (NM_001292009.2); c.*7585G>C (NM_001290259.2, NM_001370348.2, NM_001370349.2 and 2 more transcripts); short protein forms S2934C, S2913C.
Identifiers: ClinVar variation 3668813 (VCV003668813.2).

ClinVar aggregate classification (germline): Uncertain significance (1 of 4 stars; one submission).

Submission:

Labcorp Genetics (formerly Invitae), Labcorp
Classification: Uncertain significance. Last evaluated: 2024-02-17. Review status: criteria provided, single submitter. Criteria: Invitae Variant Classification Sherloc (09022015). Collection method: clinical testing. Allele origin: germline.
Comment: This sequence change replaces serine, which is neutral and polar, with cysteine, which is neutral and slightly polar, at codon 2913 of the EYS protein (p.Ser2913Cys). This variant is not present in population databases (gnomAD no frequency). This variant has not been reported in the literature in individuals affected with EYS-related conditions. Advanced modeling of protein sequence and biophysical properties (such as structural, functional, and spatial information, amino acid conservation, physicochemical variation, residue mobility, and thermodynamic stability) has been performed at Invitae for this missense variant, however the output from this modeling did not meet the statistical confidence thresholds required to predict the impact of this variant on EYS protein function. In summary, the available evidence is currently insufficient to determine the role of this variant in disease. Therefore, it has been classified as a Variant of Uncertain Significance.